The following is an entry in ClinVar:

ClinVar aggregate classification (germline): Uncertain significance (1 of 4 stars; one submission).

Conditions:
Progressive myoclonic epilepsy. Also called: Myoclonus epilepsy; Progressive myoclonus epilepsy; Familial progressive myoclonic epilepsy; Myoclonic Epilepsies, Progressive. Identifiers: Orphanet 308, Orphanet 98261, MedGen C0751778, MONDO:0020074.

Allele frequency attached by ClinVar (database versions not stated): TOPMed below 0.00001.

Submission:

Labcorp Genetics (formerly Invitae), Labcorp
Classification: Uncertain significance for Progressive myoclonic epilepsy. Last evaluated: 2022-10-13. Review status: criteria provided, single submitter. Criteria: Invitae Variant Classification Sherloc (09022015). Collection method: clinical testing. Allele origin: germline.
Comment: In summary, the available evidence is currently insufficient to determine the role of this variant in disease. Therefore, it has been classified as a Variant of Uncertain Significance. Advanced modeling of protein sequence and biophysical properties (such as structural, functional, and spatial information, amino acid conservation, physicochemical variation, residue mobility, and thermodynamic stability) performed at Invitae indicates that this missense variant is not expected to disrupt SCARB2 protein function. ClinVar contains an entry for this variant (Variation ID: 1055026). This variant has not been reported in the literature in individuals affected with SCARB2-related conditions. This variant is not present in population databases (gnomAD no frequency). This sequence change replaces lysine, which is basic and polar, with glutamine, which is neutral and polar, at codon 115 of the SCARB2 protein (p.Lys115Gln).

NM_005506.4(SCARB2):c.343A>C (p.Lys115Gln)

Gene: SCARB2 (scavenger receptor class B member 2; minus strand). Cytogenetic location: 4q21.1.
Variant type: single nucleotide variant.
Coding change: c.343A>C on transcript NM_005506.4 (MANE Select); coding-DNA position 343, A replaced by C.
Protein change: p.Lys115Gln; replaces lysine 115 with glutamine.
Molecular consequence: missense variant. On other transcripts: intron variant (1).
Genome position (GRCh38, 1-based): chr4:76,181,034, T>G on the plus strand (A>C on the coding strand, the complement: SCARB2 is on the minus strand). VCF-style: chr4-76181034-T-G. GRCh37 (hg19) VCF-style: chr4-77102187-T-G.
Other names: c.276-5124A>C (NM_001204255.2); short protein forms K115Q.
Identifiers: ClinVar variation 1055026 (VCV001055026.7), dbSNP rs1732373432, ClinGen allele CA357327253.